The following is an entry in ClinVar:

ClinVar aggregate classification (germline): Uncertain significance (1 of 4 stars; one submission).

Submission:

Labcorp Genetics (formerly Invitae), Labcorp
Classification: Uncertain significance. Last evaluated: 2025-05-23. Review status: criteria provided, single submitter. Criteria: Invitae Variant Classification Sherloc (09022015). Collection method: clinical testing. Allele origin: germline.
Comment: This variant, c.2852_2854dup, results in the insertion of 1 amino acid(s) of the COL2A1 protein (p.Gly951_Pro952insArg), but otherwise preserves the integrity of the reading frame. This variant is not present in population databases (gnomAD no frequency). This variant has not been reported in the literature in individuals affected with COL2A1-related conditions. Experimental studies and prediction algorithms are not available or were not evaluated, and the functional significance of this variant is currently unknown. In summary, the available evidence is currently insufficient to determine the role of this variant in disease. Therefore, it has been classified as a Variant of Uncertain Significance.

NM_001844.5(COL2A1):c.2852_2854dup (p.Gly951_Pro952insArg)

Gene: COL2A1 (collagen type II alpha 1 chain; minus strand). Cytogenetic location: 12q13.11.
Variant type: Duplication.
Coding change: c.2852_2854dup on transcript NM_001844.5 (MANE Select); coding-DNA positions 2852 to 2854, 3 bases duplicated (GAC; older notation c.2852_2854dupGAC).
Protein change: p.Gly951_Pro952insArg.
Molecular consequence: inframe insertion.
Genome position (GRCh38, 1-based): chr12:47,978,638-47,978,640, GTC duplicated on the plus strand (GAC on the coding strand, the reverse complement: COL2A1 is on the minus strand). VCF-style (leftmost placement, unchanged base first): chr12-47978637-G-GGTC. GRCh37 (hg19) VCF-style: chr12-48372420-G-GGTC.
Other names: c.2645_2647dup, p.Gly882_Pro883insArg (NM_033150.3).
Identifiers: ClinVar variation 4720123 (VCV004720123.1).